The following is an entry in ClinVar:

ClinVar aggregate classification (germline): Benign/Likely benign. Review status: criteria provided, multiple submitters, no conflicts (2 of 4 stars). 13 submissions from 13 submitters: Benign (9); Likely benign (1). 3 of the submissions do not count toward it. Last evaluated 2026-02-04.

Conditions:
SEPN1-related disorder. Also called: SEPN1-Related Disorders. Identifiers: MedGen CN239420.
Eichsfeld type congenital muscular dystrophy (CMYO3). Also called: Rigid spine muscular dystrophy 1; MYOPATHY, SEPN1-RELATED; SELENON-related myopathy; Congenital myopathy 3 with rigid spine. Identifiers: MedGen C0410180, MONDO:0100100, OMIM 602771.

Allele frequency attached by ClinVar (database versions not stated): 1000 Genomes Project 0.01018; 1000 Genomes Project 30x 0.01077; ExAC 0.02511; gnomAD exomes 0.02558; gnomAD 0.02669 and 0.02788; TOPMed 0.02682; ESP Exome Variant Server 0.03090.
gnomAD v4.1: 61,601 of 1,613,980 alleles (3.8%); highest among the groups gnomAD compares: Non-Finnish European, 4.7%; 1,486 homozygotes.

Submissions (13):

Labcorp Genetics (formerly Invitae), Labcorp
Classification: Benign for Eichsfeld type congenital muscular dystrophy. Last evaluated: 2026-02-04. Review status: criteria provided, single submitter. Criteria: Invitae Variant Classification Sherloc (09022015). Collection method: clinical testing. Allele origin: germline.

Blueprint Genetics
Classification: Likely benign. Last evaluated: 2024-11-26. Review status: criteria provided, single submitter. Criteria: ACMG Guidelines, 2015. Collection method: clinical testing. Allele origin: germline.

Athena Diagnostics
Classification: Benign. Last evaluated: 2024-01-29. Review status: criteria provided, single submitter. Criteria: Athena Diagnostics Criteria. Collection method: clinical testing. Allele origin: unknown.

Illumina Laboratory Services, Illumina
Classification: Benign for SEPN1-Related Disorders. Last evaluated: 2018-01-12. Review status: criteria provided, single submitter. Criteria: ICSL Variant Classification Criteria 13 December 2019. Collection method: clinical testing. Allele origin: germline.
Comment: This variant was observed in the ICSL laboratory as part of a predisposition screen in an ostensibly healthy population. It had not been previously curated by ICSL or reported in the Human Gene Mutation Database (HGMD: prior to June 1st, 2018), and was therefore a candidate for classification through an automated scoring system. Utilizing variant allele frequency, disease prevalence and penetrance estimates, and inheritance mode, an automated score was calculated to assess if this variant is too frequent to cause the disease. Based on the score and internal cut-off values, a variant classified as benign is not then subjected to further curation. The score for this variant resulted in a classification of benign for this disease.

Mayo Clinic Laboratories, Mayo Clinic
Classification: Benign. Last evaluated: 2017-12-07. Review status: criteria provided, single submitter. Criteria: ACMG Guidelines, 2015. Collection method: clinical testing. Allele origin: germline. Observed: 54 variant alleles.

Laboratory for Molecular Medicine, Mass General Brigham Personalized Medicine
Classification: Benign. Last evaluated: 2017-04-10. Review status: criteria provided, single submitter. Criteria: LMM Criteria. Collection method: clinical testing. Allele origin: germline. Observed: 1 variant allele.
Comment: p.Arg327Arg in exon 7 of SEPN1: This variant is not expected to have clinical si gnificance because it does not alter an amino acid residue and is not located wi thin the splice consensus sequence. It has been identified in 3.8% (2526/66692) of European chromosomes by the Exome Aggregation Consortium (ExAC; dbSNP rs147587542).

GeneDx
Classification: Benign. Last evaluated: 2016-01-13. Review status: criteria provided, single submitter. Criteria: GeneDx Variant Classification (06012015). Collection method: clinical testing. Allele origin: germline. Affected: yes.
Comment: This variant is considered likely benign or benign based on one or more of the following criteria: it is a conservative change, it occurs at a poorly conserved position in the protein, it is predicted to be benign by multiple in silico algorithms, and/or has population frequency not consistent with disease.

Eurofins Ntd Llc (ga)
Classification: Benign. Last evaluated: 2012-11-29. Review status: criteria provided, single submitter. Criteria: EGL Classification Definitions 2015. Collection method: clinical testing. Allele origin: germline. Observed: 3 variant alleles, 3 heterozygotes.

Breakthrough Genomics
Classification: Benign. Review status: criteria provided, single submitter. Criteria: ACMG Guidelines, 2015. Collection method: not provided. Allele origin: germline. Inheritance: Autosomal recessive inheritance. Affected: yes.

PreventionGenetics, part of Exact Sciences
Classification: Benign. Review status: criteria provided, single submitter. Criteria: ACMG Guidelines, 2015. Collection method: clinical testing. Allele origin: germline.

Clinical Genetics, Academic Medical Center
Classification: Benign. Review status: no assertion criteria provided. Collection method: clinical testing. Allele origin: germline. Affected: yes. Study: VKGL Data-share Consensus. Not counted in ClinVar's aggregate classification.

Genetic Services Laboratory, University of Chicago
Classification: Likely benign for AllHighlyPenetrant. Review status: no assertion criteria provided. Collection method: clinical testing. Allele origin: germline. Inheritance: Autosomal recessive inheritance. Not counted in ClinVar's aggregate classification.
Comment: Likely benign based on allele frequency in 1000 Genomes Project or ESP global frequency and its presence in a patient with a rare or unrelated disease phenotype. NOT Sanger confirmed.

Laboratory of Diagnostic Genome Analysis, Leiden University Medical Center (LUMC)
Classification: Likely benign. Review status: no assertion criteria provided. Collection method: clinical testing. Allele origin: germline. Affected: yes. Study: VKGL Data-share Consensus. Not counted in ClinVar's aggregate classification.

Literature cited by the submitters: PubMed 16498447 (cited by Athena Diagnostics).

NM_206926.2(SELENON):c.879C>T (p.Arg293=)

Gene: SELENON (selenoprotein N; plus strand). Cytogenetic location: 1p36.11.
Variant type: single nucleotide variant.
Coding change: c.879C>T on transcript NM_206926.2 (MANE Select); coding-DNA position 879, C replaced by T.
Protein change: p.Arg293=; no amino-acid change (arginine 293 retained).
Molecular consequence: synonymous variant.
Genome position (GRCh38, 1-based): chr1:25,809,791, C>T. VCF-style: chr1-25809791-C-T. GRCh37 (hg19) VCF-style: chr1-26136282-C-T.
Other names: p.Arg327=; c.981C>T, p.Arg327= (NM_020451.3).
Identifiers: ClinVar variation 95967 (VCV000095967.35), dbSNP rs147587542, ClinGen allele CA149082.